The following is an entry in ClinVar:

NM_000444.6(PHEX):c.1660G>T (p.Glu554Ter)

Genes: PHEX (phosphate regulating endopeptidase homolog X-linked; plus strand), PTCHD1-AS (PTCHD1 antisense RNA (head to head); minus strand). Cytogenetic location: Xp22.11.
Variant type: single nucleotide variant.
Coding change: c.1660G>T on transcript NM_000444.6 (MANE Select); coding-DNA position 1660, G replaced by T.
Protein change: p.Glu554Ter; replaces glutamic acid 554 with a stop codon.
Molecular consequence: nonsense.
Genome position (GRCh38, 1-based): chrX:22,212,918, G>T. VCF-style: chrX-22212918-G-T. GRCh37 (hg19) VCF-style: chrX-22231035-G-T.
Other names: c.1660G>T, p.Glu554Ter (NM_001282754.2); short protein forms E554*.
Identifiers: ClinVar variation 424497 (VCV000424497.2), dbSNP rs1064797001, ClinGen allele CA16621329.

ClinVar aggregate classification (germline): Pathogenic (1 of 4 stars; one submission).

Submission:

GeneDx
Classification: Pathogenic. Last evaluated: 2017-03-16. Review status: criteria provided, single submitter. Criteria: GeneDx Variant Classification (06012015). Collection method: clinical testing. Allele origin: germline. Affected: yes.
Comment: The E554X nonsense variant in the PHEX gene is predicted to cause loss of normal protein function either through protein truncation or nonsense-mediated mRNA decay. The E554X variant is not observed in large population cohorts (Lek et al., 2016). Although this pathogenic variant has not been reported previously to our knowledge, its presence is consistent with a diagnosis of X-linked hypophosphatemic rickets.